The following is an entry in ClinVar:

ClinVar aggregate classification (germline): Uncertain significance (1 of 4 stars; one submission).

Submission:

GeneDx
Classification: Uncertain significance. Last evaluated: 2025-03-04. Review status: criteria provided, single submitter. Criteria: GeneDx Variant Classification Process June 2021. Collection method: clinical testing. Allele origin: germline. Affected: yes.
Comment: Not observed at significant frequency in large population cohorts (gnomAD); In silico analysis supports that this missense variant has a deleterious effect on protein structure/function; Has not been previously published as pathogenic or benign to our knowledge

NM_001005273.3(CHD3):c.5220G>T (p.Trp1740Cys)

Gene: CHD3 (chromodomain helicase DNA binding protein 3; plus strand). Cytogenetic location: 17p13.1.
Variant type: single nucleotide variant.
Coding change: c.5220G>T on transcript NM_001005273.3 (MANE Select); coding-DNA position 5220, G replaced by T.
Protein change: p.Trp1740Cys; replaces tryptophan 1740 with cysteine.
Molecular consequence: missense variant.
Genome position (GRCh38, 1-based): chr17:7,908,469, G>T. VCF-style: chr17-7908469-G-T. GRCh37 (hg19) VCF-style: chr17-7811787-G-T.
Other names: c.5397G>T, p.Trp1799Cys (NM_001005271.3, NM_001437504.1); c.5385G>T, p.Trp1795Cys (NM_001437507.1); c.5283G>T, p.Trp1761Cys (NM_001437508.1); c.5388G>T, p.Trp1796Cys (NM_001437509.1); c.5118G>T, p.Trp1706Cys (NM_005852.4); short protein forms W1706C, W1740C, W1761C, W1795C, W1796C, W1799C.
Identifiers: ClinVar variation 4082989 (VCV004082989.1).